The following is an entry in ClinVar:

ClinVar aggregate classification (germline): Uncertain significance (1 of 4 stars; one submission).

Conditions:
Rhabdoid tumor predisposition syndrome 2 (RTPS2). Identifiers: Orphanet 231108, Orphanet 69077, MedGen C2750074, MONDO:0013224, OMIM 613325.

Submission:

Labcorp Genetics (formerly Invitae), Labcorp
Classification: Uncertain significance for Rhabdoid tumor predisposition syndrome 2. Last evaluated: 2020-12-12. Review status: criteria provided, single submitter. Criteria: Invitae Variant Classification Sherloc (09022015). Collection method: clinical testing. Allele origin: germline.
Comment: This sequence change replaces cysteine with tyrosine at codon 1565 of the SMARCA4 protein (p.Cys1565Tyr). The cysteine residue is highly conserved and there is a large physicochemical difference between cysteine and tyrosine. This variant is not present in population databases (ExAC no frequency). This variant has not been reported in the literature in individuals with SMARCA4-related conditions. Algorithms developed to predict the effect of missense changes on protein structure and function are either unavailable or do not agree on the potential impact of this missense change (SIFT: "Tolerated"; PolyPhen-2: "Probably Damaging"; Align-GVGD: "Class C0"). In summary, the available evidence is currently insufficient to determine the role of this variant in disease. Therefore, it has been classified as a Variant of Uncertain Significance.

NM_003072.5(SMARCA4):c.4598G>A (p.Cys1533Tyr)

Gene: SMARCA4 (SWI/SNF related BAF chromatin remodeling complex subunit ATPase 4; plus strand). Cytogenetic location: 19p13.2.
Variant type: single nucleotide variant.
Coding change: c.4598G>A on transcript NM_003072.5 (MANE Select); coding-DNA position 4598, G replaced by A.
Protein change: p.Cys1533Tyr; replaces cysteine 1533 with tyrosine.
Molecular consequence: missense variant. On other transcripts: non-coding transcript variant (1).
Genome position (GRCh38, 1-based): chr19:11,058,852, G>A. VCF-style: chr19-11058852-G-A. GRCh37 (hg19) VCF-style: chr19-11169528-G-A.
Other names: c.4598G>A, p.Cys1533Tyr (NM_001128844.3); c.4508G>A, p.Cys1503Tyr (NM_001128845.2); c.4505G>A, p.Cys1502Tyr (NM_001128846.2); c.4499G>A, p.Cys1500Tyr (NM_001128847.4, NM_001374457.1); c.4496G>A, p.Cys1499Tyr (NM_001128848.2); c.4694G>A, p.Cys1565Tyr (NM_001128849.3, NM_001387283.1); short protein forms C1533Y, C1500Y, C1503Y, C1565Y, C1499Y, C1502Y.
Identifiers: ClinVar variation 1445053 (VCV001445053.8), dbSNP rs2147098389, ClinGen allele CA404078983.
Genomic context (GRCh38, chr19:11,058,852, plus strand): 5'-GCATTCGCAACCACAAGTACCGCAGCCTCAACGACCTAGAGAAGGACGTCATGCTCCTGT[G>A]CCAGAACGCACAGACCTTCAACCTGGAGGGCTCCCTGGTGAGGGCACCGCTGGGGGTTGG-3'
Protein context (NP_003063.2, residues 1523-1543): NDLEKDVMLL[Cys1533Tyr]QNAQTFNLEG